The following is an entry in ClinVar:

ClinVar aggregate classification (germline): Pathogenic. Review status: criteria provided, single submitter (1 of 4 stars). 2 submissions from 1 submitter: Pathogenic (1). 1 of the submissions does not count toward it. Last evaluated 2024-03-29.

Conditions:
Joubert syndrome and related disorders. Identifiers: Orphanet 140874, MedGen C5679612, MONDO:0015369.

Submissions (2):

Genomic Medicine Center of Excellence, King Faisal Specialist Hospital and Research Centre
Classification: Pathogenic. Last evaluated: 2024-03-29. Review status: criteria provided, single submitter. Criteria: ACMG Guidelines, 2015. Collection method: clinical testing. Allele origin: germline.

Genomic Medicine Center of Excellence, King Faisal Specialist Hospital and Research Centre
Classification: Likely pathogenic for Joubert syndrome. Review status: flagged submission. Collection method: research. Allele origin: germline. Affected: yes. Observed: 2 homozygotes. Clinical features observed: DD, hepatomegaly, echogenic kidneys, grade II hydronephrosis, retinal dystrophy, microcephaly, MTS. Not counted in ClinVar's aggregate classification.
Comment: Loss of function, the only segregating variant in the exome, autozygosity mapping. LRRCC1, is also known as CLERC for Centrosomal leucine-rich repeat and coiled-coil containing protein because of its established role as a centrosomal protein in mitosis spindle organization (Muto et al. 2008). LRRCC1 is a centrosome protein. LOF, autozygosity mapping and no other candidate variants
ClinVar note: Reason: This record appears to be redundant with a more recent record from the same submitter.
ClinVar note: Notes: SCV000322768 appears to be redundant with SCV004808205.

NM_033402.5(LRRCC1):c.105-1G>C

Gene: LRRCC1 (leucine rich repeat and coiled-coil centrosomal protein 1; plus strand). Cytogenetic location: 8q21.2.
Variant type: single nucleotide variant.
Coding change: c.105-1G>C on transcript NM_033402.5 (MANE Select); the canonical splice acceptor site of the intron before coding-DNA position 105, G replaced by C.
Molecular consequence: splice acceptor variant. On other transcripts: intron variant (3).
Genome position (GRCh38, 1-based): chr8:85,109,594, G>C. VCF-style: chr8-85109594-G-C. GRCh37 (hg19) VCF-style: chr8-86021829-G-C.
Other names: c.-158-521G>C (NM_001349637.2); c.-407-1G>C (NM_001349638.2); c.32-521G>C (NM_001349636.2); c.-247-521G>C (NM_001349639.2).
Identifiers: ClinVar variation 266077 (VCV000266077.2), dbSNP rs886039794, ClinGen allele CA10588965.